The following is an entry in ClinVar:

ClinVar aggregate classification (germline): Uncertain significance (1 of 4 stars; one submission).

Conditions:
Hereditary cancer-predisposing syndrome. Also called: Hereditary neoplastic syndrome; Neoplastic Syndromes, Hereditary; Tumor predisposition; Hereditary Cancer Syndrome. Identifiers: Orphanet 140162, MedGen C0027672, MeSH D009386, MONDO:0015356.

gnomAD v4.1: 1 of 1,614,146 alleles (0.000062%); highest among the groups gnomAD compares: East Asian, 0.0022%; no homozygotes.

Submission:

Ambry Genetics
Classification: Uncertain significance for Hereditary cancer-predisposing syndrome. Last evaluated: 2025-06-26. Review status: criteria provided, single submitter. Criteria: Ambry Variant Classification Scheme 2023. Collection method: clinical testing. Allele origin: germline.
Comment: The p.S1275C variant (also known as c.3823A>T), located in coding exon 15 of the APC gene, results from an A to T substitution at nucleotide position 3823. The serine at codon 1275 is replaced by cysteine, an amino acid with dissimilar properties. This amino acid position is highly conserved in available vertebrate species. In addition, in silico predictors for this gene do not accurately predict pathogenicity. Missense alterations in APC are not a common cause of disease (Spier I et al. Genet Med. 2024 Feb;26(2):100992). Based on the available evidence, the clinical significance of this variant remains unclear.

NM_000038.6(APC):c.3823A>T (p.Ser1275Cys)

Gene: APC (APC regulator of Wnt signaling pathway; plus strand). Cytogenetic location: 5q22.2.
Variant type: single nucleotide variant.
Coding change: c.3823A>T on transcript NM_000038.6 (MANE Select); coding-DNA position 3823, A replaced by T.
Protein change: p.Ser1275Cys; replaces serine 1275 with cysteine.
Molecular consequence: missense variant. On other transcripts: non-coding transcript variant (2).
Genome position (GRCh38, 1-based): chr5:112,839,417, A>T. VCF-style: chr5-112839417-A-T. GRCh37 (hg19) VCF-style: chr5-112175114-A-T.
Other names: c.3520A>T, p.Ser1174Cys (NM_001407459.1, NM_001407460.1, NM_001354903.2 and 1 more transcripts); c.3436A>T, p.Ser1146Cys (NM_001407467.1, NM_001407469.1); c.2974A>T, p.Ser992Cys (NM_001407470.1, NM_001354906.2); c.2671A>T, p.Ser891Cys (NM_001407471.1, NM_001407472.1); c.3823A>T, p.Ser1275Cys (NM_001127510.3, NM_001354895.2, NM_001407450.1); c.3769A>T, p.Ser1257Cys (NM_001127511.3); c.3877A>T, p.Ser1293Cys (NM_001354896.2, NM_001407447.1, NM_001407448.1 and 1 more transcripts); c.3853A>T, p.Ser1285Cys (NM_001354897.2); and 11 more; short protein forms S1184C, S1247C, S1250C, S1257C, S1293C, S1149C, S1216C, S992C.
Identifiers: ClinVar variation 4120356 (VCV004120356.1).